The following is an entry in ClinVar:

NM_001363711.2(DUOX2):c.3517T>C (p.Ser1173Pro)

Gene: DUOX2 (dual oxidase 2; minus strand). Cytogenetic location: 15q21.1.
Variant type: single nucleotide variant.
Coding change: c.3517T>C on transcript NM_001363711.2 (MANE Select); coding-DNA position 3517, T replaced by C.
Protein change: p.Ser1173Pro; replaces serine 1173 with proline.
Molecular consequence: missense variant.
Genome position (GRCh38, 1-based): chr15:45,098,057, A>G on the plus strand (T>C on the coding strand, the complement: DUOX2 is on the minus strand). VCF-style: chr15-45098057-A-G. GRCh37 (hg19) VCF-style: chr15-45390255-A-G.
Other names: c.3517T>C, p.Ser1173Pro (NM_014080.5); short protein forms S1173P.
Identifiers: ClinVar variation 1466069 (VCV001466069.8), dbSNP rs2141142410, ClinGen allele CA392258283.

ClinVar aggregate classification (germline): Uncertain significance (1 of 4 stars; one submission).

Allele frequency attached by ClinVar (database versions not stated): gnomAD exomes 0.00001.
gnomAD v4.1: 4 of 1,614,048 alleles (0.00025%); highest among the groups gnomAD compares: East Asian, 0.0067%; no homozygotes.

Submission:

Labcorp Genetics (formerly Invitae), Labcorp
Classification: Uncertain significance. Last evaluated: 2022-06-03. Review status: criteria provided, single submitter. Criteria: Invitae Variant Classification Sherloc (09022015). Collection method: clinical testing. Allele origin: germline.
Comment: This sequence change replaces serine, which is neutral and polar, with proline, which is neutral and non-polar, at codon 1173 of the DUOX2 protein (p.Ser1173Pro). This variant is not present in population databases (gnomAD no frequency). This variant has not been reported in the literature in individuals affected with DUOX2-related conditions. ClinVar contains an entry for this variant (Variation ID: 1466069). Algorithms developed to predict the effect of missense changes on protein structure and function (SIFT, PolyPhen-2, Align-GVGD) all suggest that this variant is likely to be disruptive. Algorithms developed to predict the effect of sequence changes on RNA splicing suggest that this variant may disrupt the consensus splice site. In summary, the available evidence is currently insufficient to determine the role of this variant in disease. Therefore, it has been classified as a Variant of Uncertain Significance.